The following is an entry in ClinVar:

Conditions:
Long QT syndrome 5 (LQT5). Identifiers: Orphanet 101016, Orphanet 768, MedGen C1867904, MONDO:0013372, OMIM 613695.

Submission:

Roden Lab, Vanderbilt University Medical Center
No classification provided (evidence only). Condition: Long QT syndrome 5. Review status: no classification provided. Collection method: in vitro. Allele origin: not applicable. Functional consequence: Effect on ion channel function.
ClinVar note: "not provided" was previously submitted as the classification for the variant. However, the classification appeared to be based only on an observation of functional data so it was converted to no classification on 2025-07-30.

NM_000219.6(KCNE1):c.70G>C (p.Gly24Arg)

Gene: KCNE1 (potassium voltage-gated channel subfamily E regulatory subunit 1; minus strand). Cytogenetic location: 21q22.12.
Variant type: single nucleotide variant.
Coding change: c.70G>C on transcript NM_000219.6 (MANE Select); coding-DNA position 70, G replaced by C.
Protein change: p.Gly24Arg; replaces glycine 24 with arginine.
Molecular consequence: missense variant.
Genome position (GRCh38, 1-based): chr21:34,449,565, C>G on the plus strand (G>C on the coding strand, the complement: KCNE1 is on the minus strand). VCF-style: chr21-34449565-C-G. GRCh37 (hg19) VCF-style: chr21-35821863-C-G.
Other names: c.70G>C, p.Gly24Arg (NM_001127668.4, NM_001127669.4, NM_001127670.4 and 4 more transcripts); short protein forms G24R.
Identifiers: ClinVar variation 3373966 (VCV003373966.2).
Genomic context (GRCh38, chr21:34,449,565, plus strand): 5'-CCTCCAGCTTGCCGTCACTGCTGCGGGGGGACCTGCGGGCCAGGCCCGACATGTTGCCAC[C>G]CTGCTGAACTGTCTCCTGCCACAGCTTGGTCAGAAAGGGCGTCACCGCTGTGGTGTTAGA-3'
Protein context (NP_000210.2, residues 14-34): TKLWQETVQQ[Gly24Arg]GNMSGLARRS